The following is an entry in ClinVar:

ClinVar aggregate classification (germline): Uncertain significance. Review status: criteria provided, multiple submitters, no conflicts (2 of 4 stars). 2 submissions from 2 submitters: Uncertain significance (2). Last evaluated 2023-01-13.

Conditions:
Primary ciliary dyskinesia. Also called: Ciliary dyskinesia. Identifiers: Orphanet 244, MedGen C0008780, MONDO:0016575, HP:0012265.

Allele frequency attached by ClinVar (database versions not stated): gnomAD exomes below 0.00001.
gnomAD v4.1: 1 of 1,614,126 alleles (0.000062%); no homozygotes.

Submissions (2):

GeneDx
Classification: Uncertain significance. Last evaluated: 2023-01-13. Review status: criteria provided, single submitter. Criteria: GeneDx Variant Classification Process June 2021. Collection method: clinical testing. Allele origin: germline. Affected: yes.
Comment: Reported in published literature in brothers with dextro-transposition of the great arteries, who also harbor variants in other genes (Kurtz et al., 2018); Not observed at significant frequency in large population cohorts (gnomAD); In silico analysis supports that this missense variant does not alter protein structure/function; This variant is associated with the following publications: (PMID: 29848184)

Labcorp Genetics (formerly Invitae), Labcorp
Classification: Uncertain significance for Primary ciliary dyskinesia. Last evaluated: 2017-05-03. Review status: criteria provided, single submitter. Criteria: Invitae Variant Classification Sherloc (09022015). Collection method: clinical testing. Allele origin: germline.
Comment: This sequence change replaces isoleucine with methionine at codon 326 of the CCNO protein (p.Ile326Met). The isoleucine residue is moderately conserved and there is a small physicochemical difference between isoleucine and methionine. This variant is not present in population databases (ExAC no frequency) and has not been reported in the literature in individuals with a CCNO-related disease. Algorithms developed to predict the effect of missense changes on protein structure and function do not agree on the potential impact of this missense change (SIFT: "Deleterious"; PolyPhen-2: "Possibly Damaging"; Align-GVGD: "Class C0"). In summary, this variant is a novel missense change with uncertain impact on protein function. It has been classified as a Variant of Uncertain Significance.

NM_021147.5(CCNO):c.978A>G (p.Ile326Met)

Gene: CCNO (cyclin O; minus strand). Cytogenetic location: 5q11.2.
Variant type: single nucleotide variant.
Coding change: c.978A>G on transcript NM_021147.5 (MANE Select); coding-DNA position 978, A replaced by G.
Protein change: p.Ile326Met; replaces isoleucine 326 with methionine.
Molecular consequence: missense variant. On other transcripts: non-coding transcript variant (3).
Genome position (GRCh38, 1-based): chr5:55,231,450, T>C on the plus strand (A>G on the coding strand, the complement: CCNO is on the minus strand). VCF-style: chr5-55231450-T-C. GRCh37 (hg19) VCF-style: chr5-54527278-T-C.
Other names: short protein forms I326M.
Identifiers: ClinVar variation 454920 (VCV000454920.10), dbSNP rs1554019818, ClinGen allele CA359720502.